The following is an entry in ClinVar:

NM_000133.4(F9):c.287A>C (p.Gln96Pro)

Gene: F9 (coagulation factor IX; plus strand). Cytogenetic location: Xq27.1.
Variant type: single nucleotide variant.
Coding change: c.287A>C on transcript NM_000133.4 (MANE Select); coding-DNA position 287, A replaced by C.
Protein change: p.Gln96Pro; replaces glutamine 96 with proline.
Molecular consequence: missense variant. On other transcripts: intron variant (1).
Genome position (GRCh38, 1-based): chrX:139,541,085, A>C. VCF-style: chrX-139541085-A-C. GRCh37 (hg19) VCF-style: chrX-138623244-A-C.
Other names: F9, GLN50PRO; Q50P; c.277+3699A>C (NM_001313913.2); c.287A>C (NM_000133.3); short protein forms Q96P.
Identifiers: ClinVar variation 10577 (VCV000010577.2), dbSNP rs137852231, ClinGen allele CA255324.

ClinVar aggregate classification (germline): Likely pathogenic. Review status: criteria provided, single submitter (1 of 4 stars). 2 submissions from 2 submitters: Likely pathogenic (1). 1 of the submissions does not count toward it. Last evaluated 2024-05-08.

Conditions:
Hereditary factor IX deficiency disease (HEMB). Also called: Christmas Disease; Hemophilia B; PLASMA THROMBOPLASTIN COMPONENT DEFICIENCY; F9 DEFICIENCY; FACTOR IX DEFICIENCY. Identifiers: Orphanet 98879, MedGen C0008533, MeSH D002836, MONDO:0010604, OMIM 306900.

Submissions (2):

GeneDx
Classification: Likely pathogenic. Last evaluated: 2024-05-08. Review status: criteria provided, single submitter. Criteria: GeneDx Variant Classification Process June 2021. Collection method: clinical testing. Allele origin: germline. Affected: yes.
Comment: Published functional studies demonstrate that Q96P shows delayed activation by Factor XIa and reduced activity compared to wild-type Factor IX (PMID: 2306516); Not observed at significant frequency in large population cohorts (gnomAD); In silico analysis supports that this missense variant has a deleterious effect on protein structure/function; This variant is associated with the following publications: (PMID: 22639855, 31253089, 2306516)

OMIM
Classification: Pathogenic for HEMOPHILIA B. Last evaluated: 2012-11-12. Review status: no assertion criteria provided. Collection method: literature only. Allele origin: germline. Not counted in ClinVar's aggregate classification.

Literature cited by the submitters: Lozier, B. N., Stanfield-Oakley, S. A., High, K. A. Factor IX New London: a point mutation causing hemophilia B. (Abstract) Thromb. Haemost. 62: 162, 1989. (cited by OMIM).